The following is an entry in ClinVar:

ClinVar aggregate classification (germline): Pathogenic (1 of 4 stars; one submission).

Submission:

GeneDx
Classification: Pathogenic. Last evaluated: 2018-12-06. Review status: criteria provided, single submitter. Criteria: GeneDx Variant Classification (06012015). Collection method: clinical testing. Allele origin: germline. Affected: yes.
Comment: The Q106X variant in the PSMD12 gene has not been published as a pathogenic variant, nor has it been reported as a benign variant to our knowledge. This variant is not observed in large population cohorts (Lek et al., 2016). The Q106X variant is predicted to cause loss of normal protein function either through protein truncation or nonsense-mediated mRNA decay. Therefore, we interpret Q106X as a pathogenic variant.

NM_002816.5(PSMD12):c.316C>T (p.Gln106Ter)

Gene: PSMD12 (proteasome 26S subunit, non-ATPase 12; minus strand). Cytogenetic location: 17q24.2.
Variant type: single nucleotide variant.
Coding change: c.316C>T on transcript NM_002816.5 (MANE Select); coding-DNA position 316, C replaced by T.
Protein change: p.Gln106Ter; replaces glutamine 106 with a stop codon.
Molecular consequence: nonsense.
Genome position (GRCh38, 1-based): chr17:67,350,318, G>A on the plus strand (C>T on the coding strand, the complement: PSMD12 is on the minus strand). VCF-style: chr17-67350318-G-A. GRCh37 (hg19) VCF-style: chr17-65346434-G-A.
Other names: c.139C>T, p.Gln47Ter (NM_001316341.2); c.256C>T, p.Gln86Ter (NM_174871.4); short protein forms Q106*, Q47*, Q86*.
Identifiers: ClinVar variation 620497 (VCV000620497.1), dbSNP rs1567955779, ClinGen allele CA400805594.